The following is an entry in ClinVar:

NM_015909.4(NBAS):c.3257+1G>A

Gene: NBAS (NBAS subunit of NRZ tethering complex; minus strand). Cytogenetic location: 2p24.3.
Variant type: single nucleotide variant.
Coding change: c.3257+1G>A on transcript NM_015909.4 (MANE Select); the canonical splice donor site of the intron after coding-DNA position 3257, G replaced by A.
Molecular consequence: splice donor variant.
Genome position (GRCh38, 1-based): chr2:15,394,226, C>T on the plus strand (G>A on the coding strand, the complement: NBAS is on the minus strand). VCF-style: chr2-15394226-C-T. GRCh37 (hg19) VCF-style: chr2-15534350-C-T.
Identifiers: ClinVar variation 1477130 (VCV001477130.8), dbSNP rs2148410077, ClinGen allele CA345880479.

ClinVar aggregate classification (germline): Likely pathogenic (1 of 4 stars; one submission).

gnomAD v4.1: 8 of 1,600,100 alleles (0.0005%); highest among the groups gnomAD compares: Non-Finnish European, 0.00068%; no homozygotes.

Submission:

Labcorp Genetics (formerly Invitae), Labcorp
Classification: Likely pathogenic. Last evaluated: 2021-03-03. Review status: criteria provided, single submitter. Criteria: Invitae Variant Classification Sherloc (09022015). Collection method: clinical testing. Allele origin: germline.
Comment: This sequence change affects a donor splice site in intron 28 of the NBAS gene. It is expected to disrupt RNA splicing. Variants that disrupt the donor or acceptor splice site typically lead to a loss of protein function (PMID: 16199547), and loss-of-function variants in NBAS are known to be pathogenic (PMID: 26073778, 26541327, 27789416, 28031453). This variant is not present in population databases (ExAC no frequency). This variant has not been reported in the literature in individuals with NBAS-related conditions. Algorithms developed to predict the effect of sequence changes on RNA splicing suggest that this variant may disrupt the consensus splice site, but this prediction has not been confirmed by published transcriptional studies. In summary, the currently available evidence indicates that the variant is pathogenic, but additional data are needed to prove that conclusively. Therefore, this variant has been classified as Likely Pathogenic.

Literature cited by the submitters: PubMed 16199547; PubMed 26073778; PubMed 26541327; PubMed 27789416; PubMed 28031453.